The following is an entry in ClinVar:

NM_001379500.1(COL18A1):c.1435G>A (p.Asp479Asn)

Gene: COL18A1 (collagen type XVIII alpha 1 chain; plus strand). Cytogenetic location: 21q22.3.
Variant type: single nucleotide variant.
Coding change: c.1435G>A on transcript NM_001379500.1 (MANE Select); coding-DNA position 1435, G replaced by A.
Protein change: p.Asp479Asn; replaces aspartic acid 479 with asparagine.
Molecular consequence: missense variant.
Genome position (GRCh38, 1-based): chr21:45,480,503, G>A. VCF-style: chr21-45480503-G-A. GRCh37 (hg19) VCF-style: chr21-46900417-G-A.
Other names: NM_130445.2:c.1435G>A; c.1975G>A, p.Asp659Asn (NM_030582.4); c.2680G>A, p.Asp894Asn (NM_130444.3); c.1975G>A (NM_030582.3); short protein forms D894N, D479N, D659N.
Identifiers: ClinVar variation 1424058 (VCV001424058.8), dbSNP rs369917403, ClinGen allele CA10066318.
Genomic context (GRCh38, chr21:45,480,503, plus strand): 5'-TGTCTCTCCGGCTCTTTTCCTCAGACCTTCATTGACATGGAGGGATCTGGCTTCGGGGGC[G>A]ATCTGGAGGCCCTGCGGGTGAGTGGCCCTTAAACTGCAGCGCTGCCCGATGTCTGTGCCC-3'
Protein context (NP_001366429.1, residues 469-489): IDMEGSGFGG[Asp479Asn]LEALRGPRGF

ClinVar aggregate classification (germline): Uncertain significance. Review status: criteria provided, multiple submitters, no conflicts (2 of 4 stars). 4 submissions from 4 submitters: Uncertain significance (4). Last evaluated 2026-08-21.

Conditions:
COL18A1-related disorder. Also called: COL18A1-related disorders; COL18A1-related condition.
Inborn genetic diseases. Identifiers: MedGen C0950123, MeSH D030342.

Allele frequency attached by ClinVar (database versions not stated): ExAC 0.00007; gnomAD 0.00023 and 0.00027; ESP Exome Variant Server 0.00032; TOPMed 0.00039.
gnomAD v4.1: 69 of 1,614,024 alleles (0.0043%); highest among the groups gnomAD compares: African/African-American, 0.068%; no homozygotes.

Submissions (4):

PreventionGenetics, part of Exact Sciences
Classification: Uncertain significance for COL18A1-related condition. Last evaluated: 2026-08-21. Review status: criteria provided, single submitter. Criteria: ACMG Guidelines, 2015. Collection method: clinical testing. Allele origin: germline.
Comment: The COL18A1 c.1975G>A variant is predicted to result in the amino acid substitution p.Asp659Asn. To our knowledge, this variant has not been reported in the literature. This variant is reported in 0.087% of alleles in individuals of African descent in gnomAD, which may be too frequent to be a primary cause of disease. Although we suspect that this variant may be benign, at this time, the clinical significance of this variant is uncertain due to the absence of conclusive functional and genetic evidence.

Labcorp Genetics (formerly Invitae), Labcorp
Classification: Uncertain significance. Last evaluated: 2024-11-05. Review status: criteria provided, single submitter. Criteria: Invitae Variant Classification Sherloc (09022015). Collection method: clinical testing. Allele origin: germline.
Comment: This sequence change replaces aspartic acid, which is acidic and polar, with asparagine, which is neutral and polar, at codon 479 of the COL18A1 protein (p.Asp479Asn). This variant is present in population databases (rs369917403, gnomAD 0.08%). This variant has not been reported in the literature in individuals affected with COL18A1-related conditions. ClinVar contains an entry for this variant (Variation ID: 1424058). Experimental studies and prediction algorithms are not available or were not evaluated, and the functional significance of this variant is currently unknown. In summary, the available evidence is currently insufficient to determine the role of this variant in disease. Therefore, it has been classified as a Variant of Uncertain Significance.

Ambry Genetics
Classification: Uncertain significance for Inborn genetic diseases. Last evaluated: 2023-03-14. Review status: criteria provided, single submitter. Criteria: Ambry Variant Classification Scheme 2023. Collection method: clinical testing. Allele origin: germline.

Blueprint Genetics
Classification: Uncertain significance. Last evaluated: 2022-11-14. Review status: criteria provided, single submitter. Criteria: ACMG Guidelines, 2015. Collection method: clinical testing. Allele origin: germline.